The following is an entry in ClinVar:

ClinVar aggregate classification (germline): Uncertain significance. Review status: criteria provided, multiple submitters, no conflicts (2 of 4 stars). 2 submissions from 2 submitters: Uncertain significance (2). Last evaluated 2025-05-19.

Allele frequency attached by ClinVar (database versions not stated): gnomAD 0.00004 and 0.00005; TOPMed 0.00004; 1000 Genomes Project 30x 0.00016.
gnomAD v4.1: 39 of 1,549,910 alleles (0.0025%); highest among the groups gnomAD compares: African/African-American, 0.022%; no homozygotes.

Submissions (2):

Women's Health and Genetics/Laboratory Corporation of America, LabCorp
Classification: Uncertain significance. Last evaluated: 2025-05-19. Review status: criteria provided, single submitter. Criteria: LabCorp Variant Classification Summary - May 2015. Collection method: clinical testing. Allele origin: germline.
Comment: Variant summary: ZNF469 c.1690G>A (p.Gly564Arg) results in a non-conservative amino acid change in the encoded protein sequence. Algorithms developed to predict the effect of missense changes on protein structure and function are either unavailable or do not agree on the potential impact of this missense change. The variant allele was found at a frequency of 1.4e-05 in 143212 control chromosomes. The available data on variant occurrences in the general population are insufficient to allow any conclusion about variant significance. To our knowledge, no occurrence of c.1690G>A in individuals affected with Brittle cornea syndrome 1 and no experimental evidence demonstrating its impact on protein function have been reported. ClinVar contains an entry for this variant (Variation ID: 1386555). Based on the evidence outlined above, the variant was classified as uncertain significance.

Labcorp Genetics (formerly Invitae), Labcorp
Classification: Uncertain significance. Last evaluated: 2024-06-25. Review status: criteria provided, single submitter. Criteria: Invitae Variant Classification Sherloc (09022015). Collection method: clinical testing. Allele origin: germline.
Comment: This sequence change replaces glycine, which is neutral and non-polar, with arginine, which is basic and polar, at codon 564 of the ZNF469 protein (p.Gly564Arg). This variant is present in population databases (no rsID available, gnomAD 0.01%). This missense change has been observed in individual(s) with ZNF469-related conditions (PMID: 29228253). ClinVar contains an entry for this variant (Variation ID: 1386555). Algorithms developed to predict the effect of missense changes on protein structure and function output the following: SIFT: "Not Available"; PolyPhen-2: "Benign"; Align-GVGD: "Not Available". The arginine amino acid residue is found in multiple mammalian species, which suggests that this missense change does not adversely affect protein function. In summary, the available evidence is currently insufficient to determine the role of this variant in disease. Therefore, it has been classified as a Variant of Uncertain Significance.

Literature cited by the submitters: PubMed 29228253 (cited by Labcorp Genetics (formerly Invitae), Labcorp).

NM_001367624.2(ZNF469):c.1690G>A (p.Gly564Arg)

Gene: ZNF469 (zinc finger protein 469; plus strand). Cytogenetic location: 16q24.2.
Variant type: single nucleotide variant.
Coding change: c.1690G>A on transcript NM_001367624.2 (MANE Select); coding-DNA position 1690, G replaced by A.
Protein change: p.Gly564Arg; replaces glycine 564 with arginine.
Molecular consequence: missense variant.
Genome position (GRCh38, 1-based): chr16:88,429,160, G>A. VCF-style: chr16-88429160-G-A. GRCh37 (hg19) VCF-style: chr16-88495568-G-A.
Other names: short protein forms G564R.
Identifiers: ClinVar variation 1386555 (VCV001386555.6), dbSNP rs768576385, ClinGen allele CA286372978.